The following is an entry in ClinVar:

NM_001042492.3(NF1):c.4190T>G (p.Phe1397Cys)

Gene: NF1 (neurofibromin 1; plus strand). Cytogenetic location: 17q11.2.
Variant type: single nucleotide variant.
Coding change: c.4190T>G on transcript NM_001042492.3 (MANE Select); coding-DNA position 4190, T replaced by G.
Protein change: p.Phe1397Cys; replaces phenylalanine 1397 with cysteine.
Molecular consequence: missense variant.
Genome position (GRCh38, 1-based): chr17:31,258,360, T>G. VCF-style: chr17-31258360-T-G. GRCh37 (hg19) VCF-style: chr17-29585378-T-G.
Other names: c.4127T>G, p.Phe1376Cys (NM_000267.4); short protein forms F1376C, F1397C.
Identifiers: ClinVar variation 4020752 (VCV004020752.2).

ClinVar aggregate classification (germline): Uncertain significance. Review status: criteria provided, multiple submitters, no conflicts (2 of 4 stars). 2 submissions from 2 submitters: Uncertain significance (2). Last evaluated 2025-09-05.

Conditions:
Cardiovascular phenotype. Identifiers: MedGen CN230736.
Hereditary cancer-predisposing syndrome. Also called: Tumor predisposition; Hereditary neoplastic syndrome; Neoplastic Syndromes, Hereditary; Hereditary Cancer Syndrome. Identifiers: Orphanet 140162, MedGen C0027672, MeSH D009386, MONDO:0015356.

gnomAD v4.1: 1 of 1,613,958 alleles (0.000062%); highest among the groups gnomAD compares: East Asian, 0.0022%; no homozygotes.

Submissions (2):

Quest Diagnostics Nichols Institute San Juan Capistrano
Classification: Uncertain significance. Last evaluated: 2025-09-05. Review status: criteria provided, single submitter. Criteria: Quest Diagnostics criteria. Collection method: clinical testing. Allele origin: unknown.

Ambry Genetics
Classification: Uncertain significance for Cardiovascular phenotype; Hereditary cancer-predisposing syndrome. Last evaluated: 2025-04-11. Review status: criteria provided, single submitter. Criteria: Ambry Variant Classification Scheme 2023. Collection method: clinical testing. Allele origin: germline.
Comment: The p.F1376C variant (also known as c.4127T>G), located in coding exon 31 of the NF1 gene, results from a T to G substitution at nucleotide position 4127. The phenylalanine at codon 1376 is replaced by cysteine, an amino acid with highly dissimilar properties. This amino acid position is conserved. In addition, this alteration is predicted to be deleterious by in silico analysis. Based on the available evidence, the clinical significance of this variant remains unclear.